The following is an entry in ClinVar:

ClinVar aggregate classification (germline): Benign. Review status: criteria provided, multiple submitters, no conflicts (2 of 4 stars). 5 submissions from 5 submitters: Benign (5). Last evaluated 2026-02-02.

Conditions:
Ulnar-mammary syndrome (UMS). Also called: PALLISTER ULNAR-MAMMARY SYNDROME; Ulnar-mammary syndrome of Pallister; SCHINZEL SYNDROME. Identifiers: Orphanet 3138, MedGen C1866994, MONDO:0008411, OMIM 181450.

Allele frequency attached by ClinVar (database versions not stated): gnomAD exomes 0.00289 and 0.00729; ExAC 0.01344; gnomAD 0.02812 and 0.03014; ESP Exome Variant Server 0.03129; 1000 Genomes Project 0.03155; TOPMed 0.03203; 1000 Genomes Project 30x 0.03295.
gnomAD v4.1: 8,637 of 1,594,768 alleles (0.54%); highest among the groups gnomAD compares: African/African-American, 9.6%; 368 homozygotes.

Submissions (5):

Labcorp Genetics (formerly Invitae), Labcorp
Classification: Benign for Ulnar-mammary syndrome. Last evaluated: 2026-02-02. Review status: criteria provided, single submitter. Criteria: Invitae Variant Classification Sherloc (09022015). Collection method: clinical testing. Allele origin: germline.

GeneDx
Classification: Benign. Last evaluated: 2018-12-19. Review status: criteria provided, single submitter. Criteria: GeneDx Variant Classification Process June 2021. Collection method: clinical testing. Allele origin: germline. Affected: yes.

Illumina Laboratory Services, Illumina
Classification: Benign for Ulnar-mammary syndrome. Last evaluated: 2018-01-13. Review status: criteria provided, single submitter. Criteria: ICSL Variant Classification Criteria 13 December 2019. Collection method: clinical testing. Allele origin: germline.
Comment: This variant was observed in the ICSL laboratory as part of a predisposition screen in an ostensibly healthy population. It had not been previously curated by ICSL or reported in the Human Gene Mutation Database (HGMD: prior to June 1st, 2018), and was therefore a candidate for classification through an automated scoring system. Utilizing variant allele frequency, disease prevalence and penetrance estimates, and inheritance mode, an automated score was calculated to assess if this variant is too frequent to cause the disease. Based on the score and internal cut-off values, a variant classified as benign is not then subjected to further curation. The score for this variant resulted in a classification of benign for this disease.

Eurofins Ntd Llc (ga)
Classification: Benign. Last evaluated: 2015-08-12. Review status: criteria provided, single submitter. Criteria: EGL Classification Definitions 2015. Collection method: clinical testing. Allele origin: germline. Observed: 1 variant allele, 1 heterozygote.

Breakthrough Genomics
Classification: Benign. Review status: criteria provided, single submitter. Criteria: ACMG Guidelines, 2015. Collection method: not provided. Allele origin: germline. Inheritance: Autosomal dominant inheritance. Affected: yes.

NM_005996.4(TBX3):c.1126T>A (p.Ser376Thr)

Gene: TBX3 (T-box transcription factor 3; minus strand). Cytogenetic location: 12q24.21.
Variant type: single nucleotide variant.
Coding change: c.1126T>A on transcript NM_005996.4 (MANE Select); coding-DNA position 1126, T replaced by A.
Protein change: p.Ser376Thr; replaces serine 376 with threonine.
Molecular consequence: missense variant.
Genome position (GRCh38, 1-based): chr12:114,674,749, A>T on the plus strand (T>A on the coding strand, the complement: TBX3 is on the minus strand). VCF-style: chr12-114674749-A-T. GRCh37 (hg19) VCF-style: chr12-115112554-A-T.
Other names: c.1186T>A, p.Ser396Thr (NM_016569.4); short protein forms S396T, S376T.
Identifiers: ClinVar variation 282378 (VCV000282378.22), dbSNP rs78115331, ClinGen allele CA6809990.